The following is an entry in ClinVar:

NM_014283.5(SUCO):c.919C>G (p.Arg307Gly)

Gene: SUCO (SUN domain containing ossification factor; plus strand). Cytogenetic location: 1q24.3.
Variant type: single nucleotide variant.
Coding change: c.919C>G on transcript NM_014283.5 (MANE Select); coding-DNA position 919, C replaced by G.
Protein change: p.Arg307Gly; replaces arginine 307 with glycine.
Molecular consequence: missense variant. On other transcripts: 5 prime UTR variant (1).
Genome position (GRCh38, 1-based): chr1:172,570,109, C>G. VCF-style: chr1-172570109-C-G. GRCh37 (hg19) VCF-style: chr1-172539249-C-G.
Other names: c.808C>G, p.Arg270Gly (NM_001282750.2); c.-611C>G (NM_001282751.2); c.1393C>G, p.Arg465Gly (NM_016227.4); short protein forms R307G, R270G, R465G.
Identifiers: ClinVar variation 4177512 (VCV004177512.2).

ClinVar aggregate classification (germline): Uncertain significance. Review status: criteria provided, multiple submitters, no conflicts (2 of 4 stars). 2 submissions from 2 submitters: Uncertain significance (2). Last evaluated 2025-10-09.

Submissions (2):

Labcorp Genetics (formerly Invitae), Labcorp
Classification: Uncertain significance. Last evaluated: 2025-10-09. Review status: criteria provided, single submitter. Criteria: Invitae Variant Classification Sherloc (09022015). Collection method: clinical testing. Allele origin: germline.
Comment: This sequence change replaces arginine, which is basic and polar, with glycine, which is neutral and non-polar, at codon 307 of the SUCO protein (p.Arg307Gly). This variant is not present in population databases (gnomAD no frequency). This variant has not been reported in the literature in individuals affected with SUCO-related conditions. An algorithm developed to predict the effect of missense changes on protein structure and function (PolyPhen-2) suggests that this variant is likely to be disruptive. In summary, the available evidence is currently insufficient to determine the role of this variant in disease. Therefore, it has been classified as a Variant of Uncertain Significance.

Ambry Genetics
Classification: Uncertain significance. Last evaluated: 2025-08-25. Review status: criteria provided, single submitter. Criteria: Ambry Variant Classification Scheme 2023. Collection method: clinical testing. Allele origin: germline.